The following is an entry in ClinVar:

NM_001242896.3(DEPDC5):c.3745C>T (p.Arg1249Trp)

Gene: DEPDC5 (DEP domain containing 5, GATOR1 subcomplex subunit; plus strand). Cytogenetic location: 22q12.3.
Variant type: single nucleotide variant.
Coding change: c.3745C>T on transcript NM_001242896.3 (MANE Select); coding-DNA position 3745, C replaced by T.
Protein change: p.Arg1249Trp; replaces arginine 1249 with tryptophan.
Molecular consequence: missense variant. On other transcripts: non-coding transcript variant (2).
Genome position (GRCh38, 1-based): chr22:31,876,205, C>T. VCF-style: chr22-31876205-C-T. GRCh37 (hg19) VCF-style: chr22-32272191-C-T.
Other names: c.3718C>T, p.Arg1240Trp (NM_001136029.4); c.3445C>T, p.Arg1149Trp (NM_001242897.2); c.3679C>T, p.Arg1227Trp (NM_001363852.2, NM_001364320.2); c.3511C>T, p.Arg1171Trp (NM_001363854.2, NM_001364319.2); c.3745C>T, p.Arg1249Trp (NM_001364318.2); c.3661C>T, p.Arg1221Trp (NM_001369901.1, NM_001369902.1); c.3652C>T, p.Arg1218Trp (NM_001369903.1, NM_014662.6); short protein forms R1227W, R1249W, R1171W, R1221W, R1149W, R1218W, R1240W.
Identifiers: ClinVar variation 2051326 (VCV002051326.6), dbSNP rs147817091, ClinGen allele CA10197082.

ClinVar aggregate classification (germline): Uncertain significance. Review status: criteria provided, single submitter (1 of 4 stars). 2 submissions from 2 submitters: Uncertain significance (1). 1 of the submissions does not count toward it. Last evaluated 2025-07-21.

Conditions:
Familial focal epilepsy with variable foci (FPEVF). Identifiers: Orphanet 98820, MedGen C1858477, MONDO:0020310.

Allele frequency attached by ClinVar (database versions not stated): gnomAD 0.00002; TOPMed 0.00002; gnomAD exomes 0.00003; ExAC 0.00007; 1000 Genomes Project 0.00020; 1000 Genomes Project 30x 0.00031.
gnomAD v4.1: 52 of 1,614,096 alleles (0.0032%); highest among the groups gnomAD compares: South Asian, 0.04%; no homozygotes.

Submissions (2):

Labcorp Genetics (formerly Invitae), Labcorp
Classification: Uncertain significance for Familial focal epilepsy with variable foci. Last evaluated: 2025-07-21. Review status: criteria provided, single submitter. Criteria: Invitae Variant Classification Sherloc (09022015). Collection method: clinical testing. Allele origin: germline.
Comment: This sequence change replaces arginine, which is basic and polar, with tryptophan, which is neutral and slightly polar, at codon 1249 of the DEPDC5 protein (p.Arg1249Trp). This variant is present in population databases (rs147817091, gnomAD 0.04%). This variant has not been reported in the literature in individuals affected with DEPDC5-related conditions. ClinVar contains an entry for this variant (Variation ID: 2051326). Experimental studies and prediction algorithms are not available or were not evaluated, and the functional significance of this variant is currently unknown. In summary, the available evidence is currently insufficient to determine the role of this variant in disease. Therefore, it has been classified as a Variant of Uncertain Significance.

Genetics and Genomic Medicine Centre, NeuroGen Healthcare, NeuroGen Healthcare
Classification: Uncertain significance. Last evaluated: 2021-07-06. Review status: no assertion criteria provided. Collection method: clinical testing. Allele origin: unknown. Affected: yes. Not counted in ClinVar's aggregate classification.